The following is an entry in ClinVar:

NM_001197104.2(KMT2A):c.2618G>A (p.Ser873Asn)

Gene: KMT2A (lysine methyltransferase 2A; plus strand). Cytogenetic location: 11q23.3.
Variant type: single nucleotide variant.
Coding change: c.2618G>A on transcript NM_001197104.2 (MANE Select); coding-DNA position 2618, G replaced by A.
Protein change: p.Ser873Asn; replaces serine 873 with asparagine.
Molecular consequence: missense variant.
Genome position (GRCh38, 1-based): chr11:118,473,777, G>A. VCF-style: chr11-118473777-G-A. GRCh37 (hg19) VCF-style: chr11-118344492-G-A.
Other names: c.2618G>A, p.Ser873Asn (NM_005933.4); short protein forms S873N.
Identifiers: ClinVar variation 377391 (VCV000377391.4), dbSNP rs1057519618, ClinGen allele CA16603362.

ClinVar aggregate classification (germline): Uncertain significance. Review status: criteria provided, single submitter (1 of 4 stars). 2 submissions from 2 submitters: Uncertain significance (1). 1 of the submissions does not count toward it. Last evaluated 2025-10-02.

Conditions:
Wiedemann-Steiner syndrome (WDSTS). Also called: Growth deficiency and mental retardation with facial dysmorphism. Identifiers: Orphanet 319182, MedGen C1854630, MONDO:0011518, OMIM 605130.

Submissions (2):

Labcorp Genetics (formerly Invitae), Labcorp
Classification: Uncertain significance. Last evaluated: 2025-10-02. Review status: criteria provided, single submitter. Criteria: Invitae Variant Classification Sherloc (09022015). Collection method: clinical testing. Allele origin: germline.
Comment: This sequence change replaces serine, which is neutral and polar, with asparagine, which is neutral and polar, at codon 873 of the KMT2A protein (p.Ser873Asn). This variant is not present in population databases (gnomAD no frequency). This missense change has been observed in individual(s) with Wiedemann-Steiner syndrome (PMID: 29574747). ClinVar contains an entry for this variant (Variation ID: 377391). Invitae Evidence Modeling of protein sequence and biophysical properties (such as structural, functional, and spatial information, amino acid conservation, physicochemical variation, residue mobility, and thermodynamic stability) indicates that this missense variant is not expected to disrupt KMT2A protein function with a negative predictive value of 95%. In summary, the available evidence is currently insufficient to determine the role of this variant in disease. Therefore, it has been classified as a Variant of Uncertain Significance.

Centre de Biologie Pathologie Génétique, Centre Hospitalier Universitaire de Lille
Classification: Uncertain significance for Wiedemann-Steiner syndrome. Last evaluated: 2013-10-08. Review status: no assertion criteria provided. Collection method: clinical testing. Allele origin: de novo. Observed: 1 variant allele, 1 heterozygote. Not counted in ClinVar's aggregate classification.

Literature cited by the submitters: PubMed 29574747 (cited by Labcorp Genetics (formerly Invitae), Labcorp).